The following is an entry in ClinVar:

ClinVar aggregate classification (germline): Uncertain significance (1 of 4 stars; one submission).

Conditions:
Inborn genetic diseases. Identifiers: MedGen C0950123, MeSH D030342.

Submission:

Ambry Genetics
Classification: Uncertain significance for Inborn genetic diseases. Last evaluated: 2025-04-12. Review status: criteria provided, single submitter. Criteria: Ambry Variant Classification Scheme 2023. Collection method: clinical testing. Allele origin: germline.
Comment: The p.Q1592L variant (also known as c.4775A>T), located in coding exon 32 of the ANKRD26 gene, results from an A to T substitution at nucleotide position 4775. The glutamine at codon 1592 is replaced by leucine, an amino acid with dissimilar properties. This amino acid position is conserved. In addition, this alteration is predicted to be tolerated by in silico analysis. Based on the available evidence, the clinical significance of this variant remains unclear.

NM_014915.3(ANKRD26):c.4775A>T (p.Gln1592Leu)

Gene: ANKRD26 (ankyrin repeat domain containing 26; minus strand). Cytogenetic location: 10p12.1.
Variant type: single nucleotide variant.
Coding change: c.4775A>T on transcript NM_014915.3 (MANE Select); coding-DNA position 4775, A replaced by T.
Protein change: p.Gln1592Leu; replaces glutamine 1592 with leucine.
Molecular consequence: missense variant.
Genome position (GRCh38, 1-based): chr10:27,013,060, T>A on the plus strand (A>T on the coding strand, the complement: ANKRD26 is on the minus strand). VCF-style: chr10-27013060-T-A. GRCh37 (hg19) VCF-style: chr10-27301989-T-A.
Other names: c.4772A>T, p.Gln1591Leu (NM_001256053.2); short protein forms Q1591L, Q1592L.
Identifiers: ClinVar variation 3913686 (VCV003913686.1).
Genomic context (GRCh38, chr10:27,013,060, plus strand): 5'-ACACAAGGTGGCTCCATGACTGGCCTGGTAGTGAGAGTGGTGAACAAAGATCTGCTCTGC[T>A]GTTTTTCCACAAGAAGTTTGGTGTTGACCTCTGCTAGCCTCTCATTAGTTCTGTGAAGAT-3'
Protein context (NP_055730.2, residues 1582-1602): EVNTKLLVEK[Gln1592Leu]QSRSLFTTLT